The following is an entry in ClinVar:

ClinVar aggregate classification (germline): Pathogenic (1 of 4 stars; one submission).

Conditions:
Hereditary cancer-predisposing syndrome. Also called: Hereditary Cancer Syndrome; Hereditary neoplastic syndrome; Neoplastic Syndromes, Hereditary; Tumor predisposition. Identifiers: Orphanet 140162, MedGen C0027672, MeSH D009386, MONDO:0015356.

Submission:

Ambry Genetics
Classification: Pathogenic for Hereditary cancer-predisposing syndrome. Last evaluated: 2021-07-07. Review status: criteria provided, single submitter. Criteria: Ambry Variant Classification Scheme 2023. Collection method: clinical testing. Allele origin: germline.
Comment: The c.4563_4565delTGGinsCA pathogenic mutation, located in coding exon 29 of the ATM gene, results from the deletion of 3 nucleotides and insertion of two nucleotides causing a translational frameshift with a predicted alternate stop codon (p.G1522Ifs*21). This alteration is expected to result in loss of function by premature protein truncation or nonsense-mediated mRNA decay. As such, this alteration is interpreted as a disease-causing mutation.

NM_000051.4(ATM):c.4563_4565delinsCA (p.Gly1522fs)

Gene: ATM (ATM serine/threonine kinase; plus strand). Cytogenetic location: 11q22.3.
Variant type: Indel.
Coding change: c.4563_4565delinsCA on transcript NM_000051.4 (MANE Select); coding-DNA positions 4563 to 4565, TGG replaced by CA.
Protein change: p.Gly1522fs; shifts the reading frame from glycine 1522.
Molecular consequence: frameshift variant.
Genome position (GRCh38, 1-based): chr11:108,292,745-108,292,747, TGG replaced by CA. VCF-style: chr11-108292745-TGG-CA. GRCh37 (hg19) VCF-style: chr11-108163472-TGG-CA.
Other names: c.4563_4565delinsCA, p.Gly1522fs (NM_001351834.2); short protein forms G1522fs.
Identifiers: ClinVar variation 1741503 (VCV001741503.2), dbSNP rs2546925715, ClinGen allele CA2580083265.